The following is an entry in ClinVar:

ClinVar aggregate classification (germline): Likely benign (1 of 4 stars; one submission).

Submission:

CeGaT Center for Human Genetics Tuebingen
Classification: Likely benign. Last evaluated: 2023-09-01. Review status: criteria provided, single submitter. Criteria: CeGaT Center For Human Genetics Tuebingen Variant Classification Criteria Version 2. Collection method: clinical testing. Allele origin: germline. Affected: yes. Observed: 1 variant allele.
Comment: CFAP20DC: BP4

NM_001394063.1(CFAP20DC):c.1135+4T>G

Genes: CFAP20DC (CFAP20 domain containing; minus strand), CFAP20DC-AS1 (CFAP20DC antisense RNA 1; plus strand). Cytogenetic location: 3p14.2.
Variant type: single nucleotide variant.
Coding change: c.1135+4T>G on transcript NM_001394063.1 (MANE Select); 4 bases into the intron after coding-DNA position 1135, T replaced by G.
Molecular consequence: intron variant.
Genome position (GRCh38, 1-based): chr3:58,867,813, A>C on the plus strand (T>G on the coding strand, the complement: CFAP20DC is on the minus strand). VCF-style: chr3-58867813-A-C. GRCh37 (hg19) VCF-style: chr3-58853539-A-C.
Other names: c.760+4T>G (NM_198463.4); c.520+4T>G (NM_001351531.2); c.970+4T>G (NM_001351530.2); c.205+4T>G (NM_001351532.2).
Identifiers: ClinVar variation 2653922 (VCV002653922.24), dbSNP rs2079821130, ClinGen allele CA1048439782.